The following is an entry in ClinVar:

ClinVar aggregate classification (germline): Likely benign (0 of 4 stars; one submission).

Conditions:
TMEM132D-related disorder. Also called: TMEM132D-related condition.

Allele frequency attached by ClinVar (database versions not stated): ExAC 0.00001; TOPMed 0.00001.
gnomAD v4.1: 18 of 1,614,150 alleles (0.0011%); highest among the groups gnomAD compares: East Asian, 0.0067%; no homozygotes.

Submission:

PreventionGenetics, part of Exact Sciences
Classification: Likely benign for TMEM132D-related condition. Last evaluated: 2019-03-26. Review status: no assertion criteria provided. Collection method: clinical testing. Allele origin: germline.
Comment: This variant is classified as likely benign based on ACMG/AMP sequence variant interpretation guidelines (Richards et al. 2015 PMID: 25741868, with internal and published modifications).

NM_133448.3(TMEM132D):c.1506G>A (p.Val502=)

Gene: TMEM132D (transmembrane protein 132D; minus strand). Cytogenetic location: 12q24.33.
Variant type: single nucleotide variant.
Coding change: c.1506G>A on transcript NM_133448.3 (MANE Select); coding-DNA position 1506, G replaced by A.
Protein change: p.Val502=; no amino-acid change (valine 502 retained).
Molecular consequence: synonymous variant.
Genome position (GRCh38, 1-based): chr12:129,084,640, C>T on the plus strand (G>A on the coding strand, the complement: TMEM132D is on the minus strand). VCF-style: chr12-129084640-C-T. GRCh37 (hg19) VCF-style: chr12-129569185-C-T.
Identifiers: ClinVar variation 3058493 (VCV003058493.2), dbSNP rs757602371, ClinGen allele CA6876038.
Genomic context (GRCh38, chr12:129,084,640, plus strand): 5'-GGGCACCCACACCGTCATCTCCAGGGGGCTGCTCAGGTGCTGGTAGGTGAAGTTCACCAC[C>T]ACGTTGACCTTGCCTTTCATTTCTTTCCCATTGACAAAGACGTAGTCACATCTGTCAGAA-3'
Protein context (NP_597705.2, residues 492-512): NGKEMKGKVN[Val502=]VVNFTYQHLS